The following is an entry in ClinVar:

ClinVar aggregate classification (germline): Uncertain significance (1 of 4 stars; one submission).

gnomAD v4.1: 7 of 1,614,174 alleles (0.00043%); highest among the groups gnomAD compares: Admixed American, 0.0017%; no homozygotes.

Submission:

Labcorp Genetics (formerly Invitae), Labcorp
Classification: Uncertain significance. Last evaluated: 2022-08-16. Review status: criteria provided, single submitter. Criteria: Invitae Variant Classification Sherloc (09022015). Collection method: clinical testing. Allele origin: germline.
Comment: This sequence change replaces arginine, which is basic and polar, with serine, which is neutral and polar, at codon 2074 of the HIVEP2 protein (p.Arg2074Ser). This variant is present in population databases (no rsID available, gnomAD 0.0009%). This variant has not been reported in the literature in individuals affected with HIVEP2-related conditions. Algorithms developed to predict the effect of missense changes on protein structure and function (SIFT, PolyPhen-2, Align-GVGD) all suggest that this variant is likely to be tolerated. In summary, the available evidence is currently insufficient to determine the role of this variant in disease. Therefore, it has been classified as a Variant of Uncertain Significance.

NM_006734.4(HIVEP2):c.6222A>T (p.Arg2074Ser)

Gene: HIVEP2 (HIVEP zinc finger 2; minus strand). Cytogenetic location: 6q24.2.
Variant type: single nucleotide variant.
Coding change: c.6222A>T on transcript NM_006734.4 (MANE Select); coding-DNA position 6222, A replaced by T.
Protein change: p.Arg2074Ser; replaces arginine 2074 with serine.
Molecular consequence: missense variant.
Genome position (GRCh38, 1-based): chr6:142,760,066, T>A on the plus strand (A>T on the coding strand, the complement: HIVEP2 is on the minus strand). VCF-style: chr6-142760066-T-A. GRCh37 (hg19) VCF-style: chr6-143081203-T-A.
Other names: short protein forms R2074S.
Identifiers: ClinVar variation 1716525 (VCV001716525.5), dbSNP rs747465565, ClinGen allele CA365887223.
Genomic context (GRCh38, chr6:142,760,066, plus strand): 5'-AGCTTCCTTTCTTGGTGAAAGATGTCTCATGGGTGACAGATCTCTCCTAGGTGATAAATG[T>A]CTCCTGGGAGATAAATCTCCTTTGGGTATCAGATACCTCTTTGGTGAATTATCTCGACAG-3'
Protein context (NP_006725.3, residues 2064-2084): LIPKGDLSPR[Arg2074Ser]HLSPRRDLSP